The following is an entry in ClinVar:

ClinVar aggregate classification (germline): Uncertain significance (1 of 4 stars; one submission).

Conditions:
Immunodeficiency 39 (IMD39). Identifiers: Orphanet 574918, MedGen C4225358, MONDO:0014597, OMIM 616345.

Submission:

Labcorp Genetics (formerly Invitae), Labcorp
Classification: Uncertain significance for Immunodeficiency 39. Last evaluated: 2025-04-15. Review status: criteria provided, single submitter. Criteria: Invitae Variant Classification Sherloc (09022015). Collection method: clinical testing. Allele origin: germline.
Comment: This sequence change replaces glutamic acid, which is acidic and polar, with aspartic acid, which is acidic and polar, at codon 511 of the IRF7 protein (p.Glu511Asp). This variant is not present in population databases (gnomAD no frequency). This variant has not been reported in the literature in individuals affected with IRF7-related conditions. An algorithm developed to predict the effect of missense changes on protein structure and function outputs the following: PolyPhen-2: "Benign". The aspartic acid amino acid residue is found in multiple mammalian species, which suggests that this missense change does not adversely affect protein function. In summary, the available evidence is currently insufficient to determine the role of this variant in disease. Therefore, it has been classified as a Variant of Uncertain Significance.

NM_001572.5(IRF7):c.1494G>C (p.Glu498Asp)

Gene: IRF7 (interferon regulatory factor 7; minus strand). Cytogenetic location: 11p15.5.
Variant type: single nucleotide variant.
Coding change: c.1494G>C on transcript NM_001572.5 (MANE Select); coding-DNA position 1494, G replaced by C.
Protein change: p.Glu498Asp; replaces glutamic acid 498 with aspartic acid.
Molecular consequence: missense variant.
Genome position (GRCh38, 1-based): chr11:612,663, C>G on the plus strand (G>C on the coding strand, the complement: IRF7 is on the minus strand). VCF-style: chr11-612663-C-G. GRCh37 (hg19) VCF-style: chr11-612663-C-G.
Other names: c.1530G>C, p.Glu510Asp (NM_001440440.1); c.1491G>C, p.Glu497Asp (NM_001440442.1); c.1446G>C, p.Glu482Asp (NM_001440444.1); c.1404G>C, p.Glu468Asp (NM_001440445.1); c.1122G>C, p.Glu374Asp (NM_001440446.1); c.1407G>C, p.Glu469Asp (NM_004029.4); c.1533G>C, p.Glu511Asp (NM_004031.4); short protein forms E498D, E482D, E374D, E468D, E469D, E497D, E510D, E511D.
Identifiers: ClinVar variation 4779895 (VCV004779895.1).